The following is an entry in ClinVar:

ClinVar aggregate classification (germline): Conflicting classifications of pathogenicity. Review status: criteria provided, conflicting classifications (1 of 4 stars). 10 submissions from 10 submitters: Uncertain significance (9); Likely benign (1). Last evaluated 2026-02-05.

Conditions:
SLC29A3-related disorder. Also called: SLC29A3-related condition.
H syndrome. Also called: Histiocytosis with joint contractures and sensorineural deafness; HISTIOCYTOSIS AND LYMPHADENOPATHY WITH OR WITHOUT CUTANEOUS, CARDIAC, AND/OR ENDOCRINE FEATURES, JOINT CONTRACTURES, AND/OR DEAFNESS; HYPERPIGMENTATION, CUTANEOUS, WITH HYPERTRICHOSIS, HEPATOSPLENOMEGALY, HEART ANOMALIES, AND HYPOGONADISM WITH OR WITHOUT HEARING LOSS; PIGMENTED HYPERTRICHOSIS WITH INSULIN-DEPENDENT DIABETES MELLITUS; ROSAI-DORFMAN DISEASE, FAMILIAL; SINUS HISTIOCYTOSIS AND MASSIVE LYMPHADENOPATHY. Identifiers: Orphanet 168569, MedGen C1864445, MONDO:0011273, OMIM 602782.

Allele frequency attached by ClinVar (database versions not stated): 1000 Genomes Project 30x 0.00062; ExAC 0.00075; gnomAD 0.00076; gnomAD exomes 0.00078 and 0.00119; 1000 Genomes Project 0.00080; TOPMed 0.00082; ESP Exome Variant Server 0.00100.
gnomAD v4.1: 1,862 of 1,614,098 alleles (0.12%); highest among the groups gnomAD compares: Non-Finnish European, 0.14%; 2 homozygotes.

Submissions (10):

Women's Health and Genetics/Laboratory Corporation of America, LabCorp
Classification: Likely benign. Last evaluated: 2026-02-05. Review status: criteria provided, single submitter. Criteria: LabCorp Variant Classification Summary - May 2015. Collection method: clinical testing. Allele origin: germline.
Comment: Variant summary: SLC29A3 c.946T>G (p.Phe316Val) results in a non-conservative amino acid change in the encoded protein sequence. Algorithms developed to predict the effect of missense changes on protein structure and function all suggest that this variant is likely to be disruptive. The variant allele was found at a frequency of 0.00078 in 251408 control chromosomes, predominantly at a frequency of 0.0013 within the Non-Finnish European subpopulation in the gnomAD database, including 1 homozygote. The observed variant frequency within Non-Finnish European control individuals in the gnomAD database exceeds the estimated maximal expected allele frequency for disease-causing variants in SLC29A3. To our knowledge, no occurrence of c.946T>G in individuals affected with SLC29A3-related conditions and no experimental evidence demonstrating its impact on protein function have been reported. ClinVar contains an entry for this variant (Variation ID: 300367). Based on the evidence outlined above, the variant was classified as likely benign.

PreventionGenetics, part of Exact Sciences
Classification: Uncertain significance for SLC29A3-related condition. Last evaluated: 2025-12-11. Review status: criteria provided, single submitter. Criteria: ACMG Guidelines, 2015. Collection method: clinical testing. Allele origin: germline.
Comment: The SLC29A3 c.946T>G variant is predicted to result in the amino acid substitution p.Phe316Val. To our knowledge, this variant has not been reported in the literature. This variant is reported in 0.13% of alleles in individuals of Ashkenazi Jewish descent in gnomAD. Although we suspect that this variant may be benign, at this time, the clinical significance of this variant is uncertain due to the absence of conclusive functional and genetic evidence.

Mayo Clinic Laboratories, Mayo Clinic
Classification: Uncertain significance. Last evaluated: 2025-11-25. Review status: criteria provided, single submitter. Criteria: ACMG Guidelines, 2015. Collection method: clinical testing. Allele origin: germline. Observed: 3 variant alleles.
Comment: BS1

Labcorp Genetics (formerly Invitae), Labcorp
Classification: Uncertain significance for H syndrome. Last evaluated: 2025-02-03. Review status: criteria provided, single submitter. Criteria: Invitae Variant Classification Sherloc (09022015). Collection method: clinical testing. Allele origin: germline.
Comment: This sequence change replaces phenylalanine, which is neutral and non-polar, with valine, which is neutral and non-polar, at codon 316 of the SLC29A3 protein (p.Phe316Val). This variant is present in population databases (rs139066012, gnomAD 0.1%), including at least one homozygous and/or hemizygous individual. This variant has not been reported in the literature in individuals affected with SLC29A3-related conditions. ClinVar contains an entry for this variant (Variation ID: 300367). Invitae Evidence Modeling of protein sequence and biophysical properties (such as structural, functional, and spatial information, amino acid conservation, physicochemical variation, residue mobility, and thermodynamic stability) has been performed for this missense variant. However, the output from this modeling did not meet the statistical confidence thresholds required to predict the impact of this variant on SLC29A3 protein function. In summary, the available evidence is currently insufficient to determine the role of this variant in disease. Therefore, it has been classified as a Variant of Uncertain Significance.

Blueprint Genetics
Classification: Uncertain significance. Last evaluated: 2024-11-11. Review status: criteria provided, single submitter. Criteria: ACMG Guidelines, 2015. Collection method: clinical testing. Allele origin: germline.

Fulgent Genetics
Classification: Uncertain significance for H syndrome. Last evaluated: 2024-05-17. Review status: criteria provided, single submitter. Criteria: ACMG Guidelines, 2015. Collection method: clinical testing. Allele origin: germline.

CeGaT Center for Human Genetics Tuebingen
Classification: Uncertain significance. Last evaluated: 2023-10-01. Review status: criteria provided, single submitter. Criteria: CeGaT Center For Human Genetics Tuebingen Variant Classification Criteria Version 2. Collection method: clinical testing. Allele origin: germline. Affected: yes. Observed: 1 variant allele.

New York Genome Center
Classification: Uncertain significance for H syndrome. Last evaluated: 2021-05-07. Review status: criteria provided, single submitter. Criteria: NYGC Assertion Criteria 2020. Collection method: clinical testing. Allele origin: inherited. Observed: 1 heterozygote. Study: CSER-NYCKidSeq.

Center for Genomics, Ann and Robert H. Lurie Children's Hospital of Chicago
Classification: Uncertain significance for H syndrome. Last evaluated: 2021-03-30. Review status: criteria provided, single submitter. Criteria: ACMG Guidelines, 2015. Collection method: clinical testing. Allele origin: germline.
Comment: SLC29A3 NM_018344.5 exon 6 p.Phe316Val (c.946T>G): This variant has not been reported in the literature but is present in 0.1% (159/129102) of European alleles, including 1 homozygote, in the Genome Aggregation Database. This variant is present in ClinVar (Variation ID:300367). Evolutionary conservation suggests that this variant may not impact the protein; computational predictive tools suggest that this variant may impact the protein. In summary, data on this variant is insufficient for disease classification. Therefore, the clinical significance of this variant is uncertain.

Illumina Laboratory Services, Illumina
Classification: Uncertain significance for H syndrome. Last evaluated: 2018-01-13. Review status: criteria provided, single submitter. Criteria: ICSL Variant Classification Criteria 13 December 2019. Collection method: clinical testing. Allele origin: germline.

NM_018344.6(SLC29A3):c.946T>G (p.Phe316Val)

Gene: SLC29A3 (solute carrier family 29 member 3; plus strand). Cytogenetic location: 10q22.1.
Variant type: single nucleotide variant.
Coding change: c.946T>G on transcript NM_018344.6 (MANE Select); coding-DNA position 946, T replaced by G.
Protein change: p.Phe316Val; replaces phenylalanine 316 with valine.
Molecular consequence: missense variant. On other transcripts: 3 prime UTR variant (1), non-coding transcript variant (2).
Genome position (GRCh38, 1-based): chr10:71,362,126, T>G. VCF-style: chr10-71362126-T-G. GRCh37 (hg19) VCF-style: chr10-73121883-T-G.
Other names: p.Phe316Val; c.*175T>G (NM_001174098.2); c.712T>G, p.Phe238Val (NM_001363518.2); short protein forms F316V, F238V.
Identifiers: ClinVar variation 300367 (VCV000300367.42), dbSNP rs139066012, ClinGen allele CA5543092.